The following is an entry in ClinVar:

NM_002386.4(MC1R):c.-323G>A

Gene: MC1R (melanocortin 1 receptor; plus strand). Cytogenetic location: 16q24.3.
Variant type: single nucleotide variant.
Coding change: c.-323G>A on transcript NM_002386.4 (MANE Select); 323 bases upstream of the start codon, G replaced by A.
Molecular consequence: 5 prime UTR variant.
Genome position (GRCh38, 1-based): chr16:89,918,936, G>A. VCF-style: chr16-89918936-G-A. GRCh37 (hg19) VCF-style: chr16-89985344-G-A.
Identifiers: ClinVar variation 321408 (VCV000321408.5), dbSNP rs3212362, ClinGen allele CA10649349.

ClinVar aggregate classification (germline): Benign (1 of 4 stars; one submission).

Conditions:
Melanoma, cutaneous malignant, susceptibility to, 5. Also called: Cutaneous malignant melanoma 5. Identifiers: Orphanet 618, MedGen C2751295, MONDO:0013133, OMIM 613099.

Allele frequency attached by ClinVar (database versions not stated): TOPMed 0.00115; gnomAD exomes 0.00059; gnomAD 0.00200; 1000 Genomes Project 30x 0.00312; 1000 Genomes Project 0.00240.

Submission:

Illumina Laboratory Services, Illumina
Classification: Benign for Melanoma, cutaneous malignant, susceptibility to, 5. Last evaluated: 2018-01-13. Review status: criteria provided, single submitter. Criteria: ICSL Variant Classification Criteria 13 December 2019. Collection method: clinical testing. Allele origin: germline.
Comment: This variant was observed in the ICSL laboratory as part of a predisposition screen in an ostensibly healthy population. It had not been previously curated by ICSL or reported in the Human Gene Mutation Database (HGMD: prior to June 1st, 2018), and was therefore a candidate for classification through an automated scoring system. Utilizing variant allele frequency, disease prevalence and penetrance estimates, and inheritance mode, an automated score was calculated to assess if this variant is too frequent to cause the disease. Based on the score and internal cut-off values, a variant classified as benign is not then subjected to further curation. The score for this variant resulted in a classification of benign for this disease.